The following is an entry in ClinVar:

ClinVar aggregate classification (germline): Uncertain significance (1 of 4 stars; one submission).

Conditions:
Alpha thalassemia-X-linked intellectual disability syndrome (ATRX). Also called: ALPHA-THALASSEMIA/MENTAL RETARDATION SYNDROME, X-LINKED; ATR, NONDELETION TYPE; ATR-X syndrome; Alpha thalassemia mental retardation syndrome, nondeletion type, X-linked; XLMR hypotonic face syndrome; X-linked alpha-thalassemia-mental retardation syndrome. Identifiers: Orphanet 847, MedGen C1845055, MONDO:0010519, OMIM 301040.

Submission:

Labcorp Genetics (formerly Invitae), Labcorp
Classification: Uncertain significance for Alpha thalassemia-X-linked intellectual disability syndrome. Last evaluated: 2024-10-29. Review status: criteria provided, single submitter. Criteria: Invitae Variant Classification Sherloc (09022015). Collection method: clinical testing. Allele origin: germline.
Comment: This sequence change creates a premature translational stop signal (p.Lys2490*) in the ATRX gene. While this is not anticipated to result in nonsense mediated decay, it is expected to disrupt the last 3 amino acid(s) of the ATRX protein. This variant is not present in population databases (gnomAD no frequency). This variant has not been reported in the literature in individuals affected with ATRX-related conditions. ClinVar contains an entry for this variant (Variation ID: 2034330). Experimental studies and prediction algorithms are not available or were not evaluated, and the functional significance of this variant is currently unknown. Algorithms developed to predict the effect of sequence changes on RNA splicing suggest that this variant may create or strengthen a splice site. In summary, the available evidence is currently insufficient to determine the role of this variant in disease. Therefore, it has been classified as a Variant of Uncertain Significance.

NM_000489.6(ATRX):c.7468A>T (p.Lys2490Ter)

Gene: ATRX (ATRX chromatin remodeler; minus strand). Cytogenetic location: Xq21.1.
Variant type: single nucleotide variant.
Coding change: c.7468A>T on transcript NM_000489.6 (MANE Select); coding-DNA position 7468, A replaced by T.
Protein change: p.Lys2490Ter; replaces lysine 2490 with a stop codon.
Molecular consequence: nonsense.
Genome position (GRCh38, 1-based): chrX:77,508,362, T>A on the plus strand (A>T on the coding strand, the complement: ATRX is on the minus strand). VCF-style: chrX-77508362-T-A. GRCh37 (hg19) VCF-style: chrX-76763840-T-A.
Other names: c.7354A>T, p.Lys2452Ter (NM_138270.5); short protein forms K2452*, K2490*.
Identifiers: ClinVar variation 2034330 (VCV002034330.4), dbSNP rs2519896035, ClinGen allele CA413703397.
Genomic context (GRCh38, chrX:77,508,362, plus strand): 5'-AAAAGATCTTTCTATGATTTTAACAATCCATTAAGCTTTTAGTGCAAAATCACATTGATT[T>A]CCCTTGGGAAGGTCCTGGATTTTTGCTTCTCATTGGGGGTGGTGCACGCTGTAATGGTGG-3'